The following is an entry in ClinVar:

ClinVar aggregate classification (germline): Uncertain significance (1 of 4 stars; one submission).

Conditions:
Alpha thalassemia-X-linked intellectual disability syndrome (ATRX). Also called: ATR-X syndrome; Alpha thalassemia mental retardation syndrome, nondeletion type, X-linked; XLMR hypotonic face syndrome; X-linked alpha-thalassemia-mental retardation syndrome; ALPHA-THALASSEMIA/IMPAIRED INTELLECTUAL DEVELOPMENT SYNDROME, X-LINKED; ALPHA-THALASSEMIA/MENTAL RETARDATION SYNDROME, X-LINKED. Identifiers: Orphanet 847, MedGen C1845055, MONDO:0010519, OMIM 301040.

Submission:

Labcorp Genetics (formerly Invitae), Labcorp
Classification: Uncertain significance for Alpha thalassemia-X-linked intellectual disability syndrome. Last evaluated: 2021-07-25. Review status: criteria provided, single submitter. Criteria: Invitae Variant Classification Sherloc (09022015). Collection method: clinical testing. Allele origin: germline.
Comment: This variant is not present in population databases (ExAC no frequency). This sequence change replaces asparagine with lysine at codon 760 of the ATRX protein (p.Asn760Lys). The asparagine residue is moderately conserved and there is a moderate physicochemical difference between asparagine and lysine. This variant has not been reported in the literature in individuals affected with ATRX-related conditions. In summary, the available evidence is currently insufficient to determine the role of this variant in disease. Therefore, it has been classified as a Variant of Uncertain Significance. Advanced modeling of protein sequence and biophysical properties (such as structural, functional, and spatial information, amino acid conservation, physicochemical variation, residue mobility, and thermodynamic stability) performed at Invitae indicates that this missense variant is not expected to disrupt ATRX protein function.

NM_000489.6(ATRX):c.2280C>A (p.Asn760Lys)

Gene: ATRX (ATRX chromatin remodeler; minus strand). Cytogenetic location: Xq21.1.
Variant type: single nucleotide variant.
Coding change: c.2280C>A on transcript NM_000489.6 (MANE Select); coding-DNA position 2280, C replaced by A.
Protein change: p.Asn760Lys; replaces asparagine 760 with lysine.
Molecular consequence: missense variant.
Genome position (GRCh38, 1-based): chrX:77,682,976, G>T on the plus strand (C>A on the coding strand, the complement: ATRX is on the minus strand). VCF-style: chrX-77682976-G-T. GRCh37 (hg19) VCF-style: chrX-76938468-G-T.
Other names: c.2166C>A, p.Asn722Lys (NM_138270.5); short protein forms N722K, N760K.
Identifiers: ClinVar variation 1407214 (VCV001407214.8), dbSNP rs2148602163, ClinGen allele CA413712775.
Genomic context (GRCh38, chrX:77,682,976, plus strand): 5'-TTTCCTTTTTCCTTTATCATCTTTCCCCGCCTGAGTCTTTAAATCATACAAAGTCTTATG[G>T]TTTGTATGAATTTCATTAATATCAGTATCTGAAGAAGAACTGTGACTCATCCTGCTCACC-3'
Protein context (NP_000480.3, residues 750-770): SDTDINEIHT[Asn760Lys]HKTLYDLKTQ